The following is an entry in ClinVar:

ClinVar aggregate classification (germline): Likely benign. Review status: criteria provided, multiple submitters, no conflicts (2 of 4 stars). 3 submissions from 3 submitters: Likely benign (3). Last evaluated 2025-12-08.

Conditions:
Juvenile polyposis syndrome (JPS). Identifiers: Orphanet 2929, MedGen C0345893, MONDO:0017380, OMIM 174900.
Hereditary cancer-predisposing syndrome. Also called: Neoplastic Syndromes, Hereditary; Hereditary neoplastic syndrome; Tumor predisposition; Hereditary Cancer Syndrome. Identifiers: Orphanet 140162, MedGen C0027672, MeSH D009386, MONDO:0015356.

Allele frequency attached by ClinVar (database versions not stated): TOPMed below 0.00001; gnomAD 0.00001; 1000 Genomes Project 30x 0.00031; 1000 Genomes Project 0.00040.
gnomAD v4.1: 15 of 1,583,932 alleles (0.00095%); highest among the groups gnomAD compares: South Asian, 0.015%; no homozygotes.

Submissions (3):

Labcorp Genetics (formerly Invitae), Labcorp
Classification: Likely benign for Juvenile polyposis syndrome. Last evaluated: 2025-12-08. Review status: criteria provided, single submitter. Criteria: Invitae Variant Classification Sherloc (09022015). Collection method: clinical testing. Allele origin: germline.

Color Diagnostics, LLC DBA Color Health
Classification: Likely benign for Hereditary cancer-predisposing syndrome. Last evaluated: 2019-04-01. Review status: criteria provided, single submitter. Criteria: ACMG Guidelines, 2015. Collection method: clinical testing. Allele origin: germline.

GeneDx
Classification: Likely benign. Last evaluated: 2016-12-01. Review status: criteria provided, single submitter. Criteria: GeneDx Variant Classification (06012015). Collection method: clinical testing. Allele origin: germline. Affected: yes.
Comment: This variant is considered likely benign or benign based on one or more of the following criteria: it is a conservative change, it occurs at a poorly conserved position in the protein, it is predicted to be benign by multiple in silico algorithms, and/or has population frequency not consistent with disease.

NM_005359.6(SMAD4):c.667+20G>T

Gene: SMAD4 (SMAD family member 4; plus strand). Cytogenetic location: 18q21.2.
Variant type: single nucleotide variant.
Coding change: c.667+20G>T on transcript NM_005359.6 (MANE Select); 20 bases into the intron after coding-DNA position 667, G replaced by T.
Molecular consequence: intron variant.
Genome position (GRCh38, 1-based): chr18:51,055,013, G>T. VCF-style: chr18-51055013-G-T. GRCh37 (hg19) VCF-style: chr18-48581383-G-T.
Identifiers: ClinVar variation 391476 (VCV000391476.11), dbSNP rs547532436, ClinGen allele CA8965869.